The following is an entry in ClinVar:

ClinVar aggregate classification (germline): Uncertain significance. Review status: criteria provided, multiple submitters, no conflicts (2 of 4 stars). 2 submissions from 2 submitters: Uncertain significance (2). Last evaluated 2021-11-17.

Conditions:
Collagen 6-related myopathy. Identifiers: MedGen CN117976, MONDO:0100225.
Bethlem myopathy 1A. Also called: Bethlem Muscular Dystrophy; MYOPATHY, BENIGN CONGENITAL, WITH CONTRACTURES; Bethlem myopathy 1. Identifiers: Orphanet 610, MedGen CN029274, MONDO:0024530, OMIM 158810.

Allele frequency attached by ClinVar (database versions not stated): gnomAD 0.00001; gnomAD exomes 0.00001; TOPMed 0.00001.
gnomAD v4.1: 14 of 1,614,116 alleles (0.00087%); highest among the groups gnomAD compares: Non-Finnish European, 0.0012%; no homozygotes.

Submissions (2):

Labcorp Genetics (formerly Invitae), Labcorp
Classification: Uncertain significance for Bethlem myopathy 1A. Last evaluated: 2021-11-17. Review status: criteria provided, single submitter. Criteria: Invitae Variant Classification Sherloc (09022015). Collection method: clinical testing. Allele origin: germline.
Comment: ClinVar contains an entry for this variant (Variation ID: 335105). This sequence change replaces histidine, which is basic and polar, with leucine, which is neutral and non-polar, at codon 2564 of the COL6A3 protein (p.His2564Leu). This variant is present in population databases (no rsID available, gnomAD 0.007%). This variant has not been reported in the literature in individuals affected with COL6A3-related conditions. Advanced modeling of protein sequence and biophysical properties (such as structural, functional, and spatial information, amino acid conservation, physicochemical variation, residue mobility, and thermodynamic stability) performed at Invitae indicates that this missense variant is not expected to disrupt COL6A3 protein function. In summary, the available evidence is currently insufficient to determine the role of this variant in disease. Therefore, it has been classified as a Variant of Uncertain Significance.

Illumina Laboratory Services, Illumina
Classification: Uncertain significance for Collagen VI-related myopathy. Last evaluated: 2018-01-13. Review status: criteria provided, single submitter. Criteria: ICSL Variant Classification Criteria 13 December 2019. Collection method: clinical testing. Allele origin: germline.

NM_004369.4(COL6A3):c.7691A>T (p.His2564Leu)

Gene: COL6A3 (collagen type VI alpha 3 chain; minus strand). Cytogenetic location: 2q37.3.
Variant type: single nucleotide variant.
Coding change: c.7691A>T on transcript NM_004369.4 (MANE Select); coding-DNA position 7691, A replaced by T.
Protein change: p.His2564Leu; replaces histidine 2564 with leucine.
Molecular consequence: missense variant.
Genome position (GRCh38, 1-based): chr2:237,342,139, T>A on the plus strand (A>T on the coding strand, the complement: COL6A3 is on the minus strand). VCF-style: chr2-237342139-T-A. GRCh37 (hg19) VCF-style: chr2-238250782-T-A.
Other names: c.5870A>T, p.His1957Leu (NM_057166.5); c.7073A>T, p.His2358Leu (NM_057167.4); short protein forms H2564L, H1957L, H2358L.
Identifiers: ClinVar variation 335105 (VCV000335105.12), dbSNP rs886055804, ClinGen allele CA10614655.